The following is an entry in ClinVar:

NM_004168.4(SDHA):c.1034G>T (p.Arg345Leu)

Gene: SDHA (succinate dehydrogenase complex flavoprotein subunit A; plus strand). Cytogenetic location: 5p15.33.
Variant type: single nucleotide variant.
Coding change: c.1034G>T on transcript NM_004168.4 (MANE Select); coding-DNA position 1034, G replaced by T.
Protein change: p.Arg345Leu; replaces arginine 345 with leucine.
Molecular consequence: missense variant.
Genome position (GRCh38, 1-based): chr5:233,615, G>T. VCF-style: chr5-233615-G-T. GRCh37 (hg19) VCF-style: chr5-233730-G-T.
Other names: c.890G>T, p.Arg297Leu (NM_001294332.2); c.1034G>T, p.Arg345Leu (NM_001330758.2); short protein forms R297L, R345L.
Identifiers: ClinVar variation 3223706 (VCV003223706.2), dbSNP rs1483236652, ClinGen allele CA359012932.

ClinVar aggregate classification (germline): Uncertain significance (1 of 4 stars; one submission).

Conditions:
Hereditary cancer-predisposing syndrome. Also called: Tumor predisposition; Hereditary Cancer Syndrome; Hereditary neoplastic syndrome; Neoplastic Syndromes, Hereditary. Identifiers: Orphanet 140162, MedGen C0027672, MeSH D009386, MONDO:0015356.

gnomAD v4.1: 2 of 1,614,108 alleles (0.00012%); highest among the groups gnomAD compares: Non-Finnish European, 0.00017%; no homozygotes.

Submission:

Ambry Genetics
Classification: Uncertain significance for Hereditary cancer-predisposing syndrome. Last evaluated: 2026-01-29. Review status: criteria provided, single submitter. Criteria: Ambry Variant Classification Scheme 2023. Collection method: clinical testing. Allele origin: germline.
Comment: The p.R345L variant (also known as c.1034G>T), located in coding exon 8 of the SDHA gene, results from a G to T substitution at nucleotide position 1034. The arginine at codon 345 is replaced by leucine, an amino acid with dissimilar properties. This amino acid position is highly conserved in available vertebrate species. In addition, this alteration is predicted to be deleterious by in silico analysis. Based on the available evidence, the clinical significance of this variant remains unclear.